The following is an entry in ClinVar:

NM_006206.6(PDGFRA):c.1677G>C (p.Trp559Cys)

Gene: PDGFRA (platelet derived growth factor receptor alpha; plus strand). Cytogenetic location: 4q12.
Variant type: single nucleotide variant.
Coding change: c.1677G>C on transcript NM_006206.6 (MANE Select); coding-DNA position 1677, G replaced by C.
Protein change: p.Trp559Cys; replaces tryptophan 559 with cysteine.
Molecular consequence: missense variant.
Genome position (GRCh38, 1-based): chr4:54,274,864, G>C. VCF-style: chr4-54274864-G-C. GRCh37 (hg19) VCF-style: chr4-55141031-G-C.
Other names: c.1677G>C, p.Trp559Cys (NM_001347827.2, NM_001347829.2); c.1752G>C, p.Trp584Cys (NM_001347828.2); c.1716G>C, p.Trp572Cys (NM_001347830.2); short protein forms W572C, W559C, W584C.
Identifiers: ClinVar variation 960710 (VCV000960710.12), dbSNP rs1723630456, ClinGen allele CA356893066.

ClinVar aggregate classification (germline): Uncertain significance. Review status: criteria provided, multiple submitters, no conflicts (2 of 4 stars). 2 submissions from 2 submitters: Uncertain significance (2). Last evaluated 2025-01-19.

Conditions:
Hereditary cancer-predisposing syndrome. Also called: Hereditary neoplastic syndrome; Neoplastic Syndromes, Hereditary; Hereditary Cancer Syndrome; Tumor predisposition. Identifiers: Orphanet 140162, MedGen C0027672, MeSH D009386, MONDO:0015356.
Gastrointestinal stromal tumor. Also called: Gastrointestinal stromal tumor, somatic; Gastrointestinal stroma tumor. Identifiers: Orphanet 44890, MedGen C0238198, MeSH D046152, MONDO:0011719, OMIM 606764, HP:0100723.

Submissions (2):

Labcorp Genetics (formerly Invitae), Labcorp
Classification: Uncertain significance for Gastrointestinal stromal tumor. Last evaluated: 2025-01-19. Review status: criteria provided, single submitter. Criteria: Invitae Variant Classification Sherloc (09022015). Collection method: clinical testing. Allele origin: germline.
Comment: This sequence change replaces tryptophan, which is neutral and slightly polar, with cysteine, which is neutral and slightly polar, at codon 559 of the PDGFRA protein (p.Trp559Cys). This variant is not present in population databases (gnomAD no frequency). This variant has not been reported in the literature in individuals affected with PDGFRA-related conditions. ClinVar contains an entry for this variant (Variation ID: 960710). Invitae Evidence Modeling of protein sequence and biophysical properties (such as structural, functional, and spatial information, amino acid conservation, physicochemical variation, residue mobility, and thermodynamic stability) has been performed for this missense variant. However, the output from this modeling did not meet the statistical confidence thresholds required to predict the impact of this variant on PDGFRA protein function. In summary, the available evidence is currently insufficient to determine the role of this variant in disease. Therefore, it has been classified as a Variant of Uncertain Significance.

Ambry Genetics
Classification: Uncertain significance for Hereditary cancer-predisposing syndrome. Last evaluated: 2023-05-02. Review status: criteria provided, single submitter. Criteria: Ambry Variant Classification Scheme 2023. Collection method: clinical testing. Allele origin: germline.
Comment: The p.W559C variant (also known as c.1677G>C), located in coding exon 11 of the PDGFRA gene, results from a G to C substitution at nucleotide position 1677. The tryptophan at codon 559 is replaced by cysteine, an amino acid with highly dissimilar properties. This amino acid position is highly conserved in available vertebrate species. In addition, this alteration is predicted to be deleterious by in silico analysis. Since supporting evidence is limited at this time, the clinical significance of this alteration remains unclear.